The following is an entry in ClinVar:

ClinVar aggregate classification (germline): Benign/Likely benign. Review status: criteria provided, multiple submitters, no conflicts (2 of 4 stars). 5 submissions from 5 submitters: Benign (1); Likely benign (3). 1 of the submissions does not count toward it. Last evaluated 2026-06-16.

Conditions:
PDGFRA-related disorder. Also called: PDGFRA-related condition.
Lung sarcomatoid carcinoma. Identifiers: MedGen C1708781, MONDO:0006279.
Polyps, multiple and recurrent inflammatory fibroid, gastrointestinal. Identifiers: MedGen C5193005, MONDO:0008285, OMIM 175510.
Hereditary cancer-predisposing syndrome. Also called: Hereditary Cancer Syndrome; Tumor predisposition; Hereditary neoplastic syndrome; Neoplastic Syndromes, Hereditary. Identifiers: Orphanet 140162, MedGen C0027672, MeSH D009386, MONDO:0015356.
Gastrointestinal stromal tumor. Also called: Gastrointestinal stroma tumor; Gastrointestinal stromal tumor, somatic. Identifiers: Orphanet 44890, MedGen C0238198, MeSH D046152, MONDO:0011719, OMIM 606764, HP:0100723.

Allele frequency attached by ClinVar (database versions not stated): gnomAD exomes 0.00001; gnomAD 0.00002; TOPMed 0.00003.
gnomAD v4.1: 14 of 1,613,842 alleles (0.00087%); highest among the groups gnomAD compares: Middle Eastern, 0.016%; no homozygotes.

Submissions (5):

Myriad Genetics, Inc.
Classification: Benign for Polyps, multiple and recurrent inflammatory fibroid, gastrointestinal. Last evaluated: 2026-06-16. Review status: criteria provided, single submitter. Criteria: Myriad Autosomal Dominant, Autosomal Recessive and X-Linked Classification Criteria (2023). Collection method: clinical testing. Allele origin: unknown.
Comment: This variant is considered benign. This variant is a silent/synonymous amino acid change and it is not expected to impact splicing.

PreventionGenetics, part of Exact Sciences
Classification: Likely benign for PDGFRA-related condition. Last evaluated: 2026-06-10. Review status: criteria provided, single submitter. Criteria: ACMG Guidelines, 2015. Collection method: clinical testing. Allele origin: germline.
Comment: This variant is classified as likely benign based on ACMG/AMP sequence variant interpretation guidelines (Richards et al. 2015 PMID: 25741868, with internal and published modifications).

Labcorp Genetics (formerly Invitae), Labcorp
Classification: Likely benign for Gastrointestinal stromal tumor. Last evaluated: 2025-10-21. Review status: criteria provided, single submitter. Criteria: Invitae Variant Classification Sherloc (09022015). Collection method: clinical testing. Allele origin: germline.

Ambry Genetics
Classification: Likely benign for Hereditary cancer-predisposing syndrome. Last evaluated: 2022-05-18. Review status: criteria provided, single submitter. Criteria: Ambry Variant Classification Scheme 2023. Collection method: clinical testing. Allele origin: germline.

Salgia Laboratory, City of Hope
Classification: Uncertain significance for Lung sarcomatoid carcinoma. Review status: no assertion criteria provided. Collection method: clinical testing. Allele origin: somatic. Inheritance: Somatic mutation. Affected: yes. Not counted in ClinVar's aggregate classification.

NM_006206.6(PDGFRA):c.516C>T (p.Tyr172=)

Gene: PDGFRA (platelet derived growth factor receptor alpha; plus strand). Cytogenetic location: 4q12.
Variant type: single nucleotide variant.
Coding change: c.516C>T on transcript NM_006206.6 (MANE Select); coding-DNA position 516, C replaced by T.
Protein change: p.Tyr172=; no amino-acid change (tyrosine 172 retained).
Molecular consequence: synonymous variant.
Genome position (GRCh38, 1-based): chr4:54,263,815, C>T. VCF-style: chr4-54263815-C-T. GRCh37 (hg19) VCF-style: chr4-55129982-C-T.
Other names: NP_006197.1:p.Y172Y; c.516C>T, p.Tyr172= (NM_001347827.2, NM_001347829.2); c.591C>T, p.Tyr197= (NM_001347828.2); c.555C>T, p.Tyr185= (NM_001347830.2); c.516C>T (NM_006206.5).
Identifiers: ClinVar variation 414493 (VCV000414493.42), dbSNP rs1046079554, ClinGen allele CA16611457.